The following is an entry in ClinVar:

ClinVar aggregate classification (germline): Uncertain significance (1 of 4 stars; one submission).

Conditions:
Emery-Dreifuss muscular dystrophy 4, autosomal dominant (EDMD4). Also called: EMERY-DREIFUSS MUSCULAR DYSTROPHY 4 WITH VARIABLE FEATURES. Identifiers: Orphanet 261, MedGen C2751807, MONDO:0013071, OMIM 612998.
Autosomal recessive ataxia, Beauce type. Also called: Spinocerebellar ataxia, autosomal recessive 8; ATAXIA, RECESSIVE, OF BEAUCE; SYNE1-Related Autosomal Recessive Cerebellar Ataxia; SYNE1 Deficiency. Identifiers: Orphanet 88644, MedGen C1853116, MONDO:0012549, OMIM 610743.

gnomAD v4.1: 1 of 1,614,030 alleles (0.000062%); highest among the groups gnomAD compares: Non-Finnish European, 0.000085%; no homozygotes.

Submission:

Labcorp Genetics (formerly Invitae), Labcorp
Classification: Uncertain significance for Emery-Dreifuss muscular dystrophy 4, autosomal dominant; Autosomal recessive ataxia, Beauce type. Last evaluated: 2024-08-13. Review status: criteria provided, single submitter. Criteria: Invitae Variant Classification Sherloc (09022015). Collection method: clinical testing. Allele origin: germline.
Comment: This sequence change replaces arginine, which is basic and polar, with serine, which is neutral and polar, at codon 6393 of the SYNE1 protein (p.Arg6393Ser). This variant is not present in population databases (gnomAD no frequency). This variant has not been reported in the literature in individuals affected with SYNE1-related conditions. An algorithm developed to predict the effect of missense changes on protein structure and function (PolyPhen-2) suggests that this variant is likely to be disruptive. In summary, the available evidence is currently insufficient to determine the role of this variant in disease. Therefore, it has been classified as a Variant of Uncertain Significance.

NM_182961.4(SYNE1):c.19392G>T (p.Arg6464Ser)

Gene: SYNE1 (spectrin repeat containing nuclear envelope protein 1; minus strand). Cytogenetic location: 6q25.2.
Variant type: single nucleotide variant.
Coding change: c.19392G>T on transcript NM_182961.4 (MANE Select); coding-DNA position 19392, G replaced by T.
Protein change: p.Arg6464Ser; replaces arginine 6464 with serine.
Molecular consequence: missense variant.
Genome position (GRCh38, 1-based): chr6:152,254,958, C>A on the plus strand (G>T on the coding strand, the complement: SYNE1 is on the minus strand). VCF-style: chr6-152254958-C-A. GRCh37 (hg19) VCF-style: chr6-152576093-C-A.
Other names: c.19179G>T, p.Arg6393Ser (NM_033071.5); short protein forms R6393S, R6464S.
Identifiers: ClinVar variation 3752179 (VCV003752179.2).